The following is an entry in ClinVar:

NM_001005498.4(RHBDF2):c.1192C>T (p.Pro398Ser)

Gene: RHBDF2 (rhomboid 5 homolog 2; minus strand). Cytogenetic location: 17q25.1.
Variant type: single nucleotide variant.
Coding change: c.1192C>T on transcript NM_001005498.4 (MANE Select); coding-DNA position 1192, C replaced by T.
Protein change: p.Pro398Ser; replaces proline 398 with serine.
Molecular consequence: missense variant. On other transcripts: non-coding transcript variant (3).
Genome position (GRCh38, 1-based): chr17:76,475,065, G>A on the plus strand (C>T on the coding strand, the complement: RHBDF2 is on the minus strand). VCF-style: chr17-76475065-G-A. GRCh37 (hg19) VCF-style: chr17-74471147-G-A.
Other names: c.1192C>T, p.Pro398Ser (NM_001376228.1, NM_001376229.1, NM_001376230.1); c.1279C>T, p.Pro427Ser (NM_024599.5); short protein forms P398S, P427S.
Identifiers: ClinVar variation 3631118 (VCV003631118.2).

ClinVar aggregate classification (germline): Uncertain significance (1 of 4 stars; one submission).

Submission:

Labcorp Genetics (formerly Invitae), Labcorp
Classification: Uncertain significance. Last evaluated: 2024-05-14. Review status: criteria provided, single submitter. Criteria: Invitae Variant Classification Sherloc (09022015). Collection method: clinical testing. Allele origin: germline.
Comment: This sequence change replaces proline, which is neutral and non-polar, with serine, which is neutral and polar, at codon 427 of the RHBDF2 protein (p.Pro427Ser). This variant is not present in population databases (gnomAD no frequency). This variant has not been reported in the literature in individuals affected with RHBDF2-related conditions. An algorithm developed to predict the effect of missense changes on protein structure and function (PolyPhen-2) suggests that this variant is likely to be disruptive. In summary, the available evidence is currently insufficient to determine the role of this variant in disease. Therefore, it has been classified as a Variant of Uncertain Significance.